The following is an entry in ClinVar:

NM_002470.4(MYH3):c.3439_3459del (p.Leu1147_Glu1153del)

Gene: MYH3 (myosin heavy chain 3; minus strand). Cytogenetic location: 17p13.1.
Variant type: Deletion.
Coding change: c.3439_3459del on transcript NM_002470.4 (MANE Select); coding-DNA positions 3439 to 3459, 21 bases deleted (CTGAGCGAGCGGCTGGAGGAG).
Protein change: p.Leu1147_Glu1153del.
Molecular consequence: inframe deletion.
Genome position (GRCh38, 1-based): chr17:10,638,313-10,638,333, CTCCTCCAGCCGCTCGCTCAG deleted on the plus strand (CTGAGCGAGCGGCTGGAGGAG on the coding strand, the reverse complement: MYH3 is on the minus strand); deleting any 21 consecutive bases within chr17:10,638,313-10,638,343 gives the same sequence; the c. name uses the placement nearest the transcript's 3' end. VCF-style (leftmost placement, unchanged base first): chr17-10638312-CCTCCTCCAGCCGCTCGCTCAG-C. GRCh37 (hg19) VCF-style: chr17-10541629-CCTCCTCCAGCCGCTCGCTCAG-C.
Identifiers: ClinVar variation 4850751 (VCV004850751.1).

ClinVar aggregate classification (germline): Likely pathogenic (1 of 4 stars; one submission).

Conditions:
Autosomal dominant MYH3-related disorders.

Submission:

Variantyx, Inc.
Classification: Likely pathogenic for Autosomal dominant MYH3-related disorders. Last evaluated: 2025-09-05. Review status: criteria provided, single submitter. Criteria: Variantyx Assertion Criteria 2022. Collection method: clinical testing. Allele origin: de novo. Inheritance: Autosomal dominant inheritance. Affected: yes.
Comment: This is an inframe deletion variant in the MYH3 gene (OMIM: 160720). Pathogenic variants in this gene have been associated with autosomal dominant MYH3-related disorders. This variant has not been reported in individuals with MYH3-related disorders in the databases available for review. The alteration is absent from control populations (PM2)This variant causes an in-frame deletion of 7 amino acids at position 1147 of the MYH3 protein (PM4). . Based on the current evidence, this variant is classified as likely pathogenic for autosomal dominant MYH3-related disorders.